The following is an entry in ClinVar:

NM_001267550.2(TTN):c.94592C>A (p.Ala31531Glu)

Genes: TTN-AS1 (TTN antisense RNA 1; plus strand), TTN (titin; minus strand). Cytogenetic location: 2q31.2.
Variant type: single nucleotide variant.
Coding change: c.94592C>A on transcript NM_001267550.2 (MANE Select); coding-DNA position 94592, C replaced by A.
Protein change: p.Ala31531Glu; replaces alanine 31531 with glutamic acid.
Molecular consequence: missense variant.
Genome position (GRCh38, 1-based): chr2:178,546,836, G>T on the plus strand (C>A on the coding strand, the complement: TTN is on the minus strand). VCF-style: chr2-178546836-G-T. GRCh37 (hg19) VCF-style: chr2-179411563-G-T.
Other names: c.89669C>A, p.Ala29890Glu (NM_001256850.1); c.67397C>A, p.Ala22466Glu (NM_003319.4); c.86888C>A, p.Ala28963Glu (NM_133378.4); c.67772C>A, p.Ala22591Glu (NM_133432.3); c.67973C>A, p.Ala22658Glu (NM_133437.4); short protein forms A22466E, A22591E, A22658E, A28963E, A29890E, A31531E.
Identifiers: ClinVar variation 3774919 (VCV003774919.1).

ClinVar aggregate classification (germline): Uncertain significance (1 of 4 stars; one submission).

gnomAD v4.1: 21 of 1,608,174 alleles (0.0013%); highest among the groups gnomAD compares: Admixed American, 0.0067%; no homozygotes.

Submission:

GeneDx
Classification: Uncertain significance. Last evaluated: 2024-09-30. Review status: criteria provided, single submitter. Criteria: GeneDx Variant Classification Process June 2021. Collection method: clinical testing. Allele origin: germline. Affected: yes.
Comment: Not observed at significant frequency in large population cohorts (gnomAD); Missense variant in a gene in which most reported pathogenic variants are truncating/loss of function; Has not been previously published as pathogenic or benign to our knowledge; Located in the A-band region of TTN in which the majority of loss of function variants have been associated with autosomal dominant titinopathies (PMID: 22335739)